The following continues an entry in ClinVar:

NM_007294.4(BRCA1):c.4956G>A (p.Met1652Ile)

Gene: BRCA1. ClinVar aggregate classification (germline): Benign. Benign (1).

Submissions 21 to 48 of 48:

Molecular Genetics Laboratory, University of Michigan
Classification: Benign for Breast-ovarian cancer, familial, susceptibility to, 1. Last evaluated: 2016-04-21. Review status: criteria provided, single submitter. Criteria: ACMG Guidelines, 2015. Collection method: clinical testing. Allele origin: germline. Affected: yes. Not counted in ClinVar's aggregate classification.

Vantari Genetics
Classification: Uncertain significance for Hereditary cancer-predisposing syndrome. Last evaluated: 2015-12-22. Review status: criteria provided, single submitter. Criteria: ACMG Guidelines, 2015. Collection method: clinical testing. Allele origin: germline. Not counted in ClinVar's aggregate classification.

Genomic Diagnostic Laboratory, Division of Genomic Diagnostics, Children's Hospital of Philadelphia
Classification: Benign for Hereditary Breast and Ovarian Cancer. Last evaluated: 2015-11-10. Review status: criteria provided, single submitter. Criteria: DGD Variant Analysis Guidelines. Collection method: clinical testing. Allele origin: unknown. Not counted in ClinVar's aggregate classification.

Clinical Genetics DNA and cytogenetics Diagnostics Lab, Erasmus MC, Erasmus Medical Center
Classification: Benign for Breast-ovarian cancer, familial, susceptibility to, 1. Last evaluated: 2015-09-21. Review status: criteria provided, single submitter. Criteria: ACGS Guidelines, 2013. Collection method: clinical testing. Allele origin: germline. Affected: yes. Study: VKGL Data-share Consensus. Not counted in ClinVar's aggregate classification.

Fulgent Genetics
Classification: Likely benign for Breast-ovarian cancer, familial, susceptibility to, 1. Last evaluated: 2015-09-03. Review status: criteria provided, single submitter. Criteria: ACMG Guidelines, 2015. Collection method: clinical testing. Allele origin: unknown. Inheritance: Autosomal dominant inheritance. Not counted in ClinVar's aggregate classification.

Color Diagnostics, LLC DBA Color Health
Classification: Benign for Hereditary cancer-predisposing syndrome. Last evaluated: 2014-11-19. Review status: criteria provided, single submitter. Criteria: ACMG Guidelines, 2015. Collection method: clinical testing. Allele origin: germline. Not counted in ClinVar's aggregate classification.

Ambry Genetics
Classification: Benign for Hereditary cancer-predisposing syndrome. Last evaluated: 2014-11-18. Review status: criteria provided, single submitter. Criteria: Ambry Variant Classification Scheme 2023. Collection method: clinical testing. Allele origin: germline. Not counted in ClinVar's aggregate classification.

Genome Diagnostics Laboratory, University Medical Center Utrecht
Classification: Benign for Breast-ovarian cancer, familial, susceptibility to, 1. Last evaluated: 2014-10-09. Review status: criteria provided, single submitter. Criteria: ACGS Guidelines, 2013. Collection method: clinical testing. Allele origin: germline. Affected: yes. Study: VKGL Data-share Consensus. Not counted in ClinVar's aggregate classification.

Eurofins Ntd Llc (ga)
Classification: Benign. Last evaluated: 2014-08-07. Review status: criteria provided, single submitter. Criteria: EGL Classification Definitions 2015. Collection method: clinical testing. Allele origin: germline. Observed: 3 variant alleles, 3 heterozygotes. Not counted in ClinVar's aggregate classification.

Women's Health and Genetics/Laboratory Corporation of America, LabCorp
Classification: Benign for Hereditary breast ovarian cancer syndrome. Last evaluated: 2014-01-27. Review status: criteria provided, single submitter. Criteria: LabCorp Variant Classification Summary - May 2015. Collection method: clinical testing. Allele origin: germline. Not counted in ClinVar's aggregate classification.

GeneDx
Classification: Benign. Last evaluated: 2013-09-04. Review status: criteria provided, single submitter. Criteria: GeneDx Variant Classification (06012015). Collection method: clinical testing. Allele origin: germline. Affected: yes. Not counted in ClinVar's aggregate classification.
Comment: This variant is considered likely benign or benign based on one or more of the following criteria: it is a conservative change, it occurs at a poorly conserved position in the protein, it is predicted to be benign by multiple in silico algorithms, and/or has population frequency not consistent with disease.

Breakthrough Genomics
Classification: Benign. Review status: criteria provided, single submitter. Criteria: ACMG Guidelines, 2015. Collection method: not provided. Allele origin: germline. Inheritance: Autosomal recessive inheritance. Affected: yes. Not counted in ClinVar's aggregate classification.

Molecular Endocrinology Laboratory, Christian Medical College
Classification: Uncertain significance for Breast-ovarian cancer, familial, susceptibility to, 1. Review status: criteria provided, single submitter. Criteria: ACMG Guidelines, 2015. Collection method: clinical testing. Allele origin: germline. Affected: yes. Not counted in ClinVar's aggregate classification.

PreventionGenetics, part of Exact Sciences
Classification: Benign. Review status: criteria provided, single submitter. Criteria: ACMG Guidelines, 2015. Collection method: clinical testing. Allele origin: germline. Not counted in ClinVar's aggregate classification.

True Health Diagnostics
Classification: Benign for Hereditary cancer-predisposing syndrome. Last evaluated: 2017-11-15. Review status: no assertion criteria provided. Collection method: clinical testing. Allele origin: germline. Not counted in ClinVar's aggregate classification.

Mayo Clinic Laboratories, Mayo Clinic
Classification: Benign. Last evaluated: 2016-11-17. Review status: no assertion criteria provided. Collection method: clinical testing. Allele origin: unknown. Not counted in ClinVar's aggregate classification.

Counsyl
Classification: Benign for Breast-ovarian cancer, familial 1. Last evaluated: 2014-01-02. Review status: no assertion criteria provided. Collection method: literature only. Allele origin: unknown. Inheritance: Autosomal dominant inheritance. Not counted in ClinVar's aggregate classification.

ITMI
No classification provided. Condition: AllHighlyPenetrant. Last evaluated: 2013-09-19. Review status: no classification provided. Collection method: reference population. Allele origin: germline. Not counted in ClinVar's aggregate classification.
Comment: Please see associated publication for description of ethnicities

Biesecker Lab/Clinical Genomics Section, National Institutes of Health
Classification: Benign. Last evaluated: 2012-07-13. Review status: no assertion criteria provided. Collection method: research. Allele origin: germline. Affected: no. Observed: 16 variant alleles. Study: ClinSeq. Not counted in ClinVar's aggregate classification.
ClinVar note: Converted during submission from no known pathogenicity to Benign.

Sharing Clinical Reports Project (SCRP)
Classification: Benign for Breast-ovarian cancer, familial 1. Last evaluated: 2011-03-08. Review status: no assertion criteria provided. Collection method: clinical testing. Allele origin: germline. Not counted in ClinVar's aggregate classification.

Breast Cancer Information Core (BIC) (BRCA1)
Classification: Uncertain significance for Breast-ovarian cancer, familial 1. Last evaluated: 2002-05-29. Review status: no assertion criteria provided. Collection method: clinical testing. Allele origin: germline, unknown. Affected: yes. Observed: 69 variant alleles. Not counted in ClinVar's aggregate classification.

Brotman Baty Institute, University of Washington
No classification provided (evidence only). Condition: Breast-ovarian cancer, familial 1. Review status: no classification provided. Collection method: in vitro. Allele origin: not applicable. Functional consequence: functionally_normal. Not counted in ClinVar's aggregate classification.
ClinVar note: "not provided" was previously submitted as the classification for the variant. However, the classification appeared to be based only on an observation of functional data so it was converted to no classification on 2025-07-30.

Center of Medical Genetics and Primary Health Care
Classification: Benign for Breast Cancer. Review status: no assertion criteria provided. Collection method: clinical testing. Allele origin: germline. Affected: yes. Not counted in ClinVar's aggregate classification.

Clinical Genetics Laboratory, Department of Pathology, Netherlands Cancer Institute
Classification: Benign. Review status: no assertion criteria provided. Collection method: clinical testing. Allele origin: germline. Affected: yes. Study: VKGL Data-share Consensus. Not counted in ClinVar's aggregate classification.

Department of Pathology and Laboratory Medicine, Sinai Health System
Classification: Benign. Review status: no assertion criteria provided. Collection method: clinical testing. Allele origin: unknown. Affected: yes. Observed: 1 variant allele. Study: The Canadian Open Genetics Repository (COGR). Not counted in ClinVar's aggregate classification.

Diagnostic Laboratory, Department of Genetics, University Medical Center Groningen
Classification: Benign for Breast-ovarian cancer, familial, susceptibility to, 1. Review status: no assertion criteria provided. Collection method: clinical testing. Allele origin: germline. Affected: yes. Study: VKGL Data-share Consensus. Not counted in ClinVar's aggregate classification.

Joint Genome Diagnostic Labs from Nijmegen and Maastricht, Radboudumc and MUMC+
Classification: Benign. Review status: no assertion criteria provided. Collection method: clinical testing. Allele origin: germline. Affected: yes. Study: VKGL Data-share Consensus. Not counted in ClinVar's aggregate classification.

Laboratory of Diagnostic Genome Analysis, Leiden University Medical Center (LUMC)
Classification: Benign. Review status: no assertion criteria provided. Collection method: clinical testing. Allele origin: germline. Affected: yes. Study: VKGL Data-share Consensus. Not counted in ClinVar's aggregate classification.

Literature cited by the submitters: PubMed 21990134 (cited by Evidence-based Network for the Interpretation of Germline Mutant Alleles (ENIGMA)); DOI 10.3389/fgene.2022.834265 (cited by National Health Laboratory Service, Universitas Academic Hospital and University of the Free State); PubMed 36329109 (cited by Genetics Program, Instituto Nacional de Cancer); PubMed 30209399 (cited by Genetics Program, Instituto Nacional de Cancer); PubMed 23867111 (cited by Genetics Program, Instituto Nacional de Cancer); PubMed 30535581 (cited by Quest Diagnostics Nichols Institute San Juan Capistrano); PubMed 30257991 (cited by Quest Diagnostics Nichols Institute San Juan Capistrano); PubMed 12215251 (cited by Eurofins Ntd Llc (ga) and Women's Health and Genetics/Laboratory Corporation of America, LabCorp); PubMed 20516115 (cited by Women's Health and Genetics/Laboratory Corporation of America, LabCorp); PubMed 14534301 (cited by Women's Health and Genetics/Laboratory Corporation of America, LabCorp); PubMed 21702907 (cited by Women's Health and Genetics/Laboratory Corporation of America, LabCorp); PubMed 10408690 (cited by Women's Health and Genetics/Laboratory Corporation of America, LabCorp); PubMed 18662409 (cited by Women's Health and Genetics/Laboratory Corporation of America, LabCorp); PubMed 17018160 (cited by Women's Health and Genetics/Laboratory Corporation of America, LabCorp); PubMed 22505045 (cited by Women's Health and Genetics/Laboratory Corporation of America, LabCorp); PubMed 15235020 (cited by Counsyl); PubMed 16014699 (cited by Counsyl); PubMed 11400546 (cited by Counsyl); PubMed 22703870 (cited by Counsyl); PubMed 12955716 (cited by Counsyl); PubMed 24728327 (cited by ITMI); Ladopolou-et-al.,-Cancer-Lett,-185:61,-2002 (cited by Breast Cancer Information Core (BIC) (BRCA1)).